The following is an entry in ClinVar:

ClinVar aggregate classification (germline): Uncertain significance (1 of 4 stars; one submission).

Allele frequency attached by ClinVar (database versions not stated): gnomAD exomes below 0.00001.
gnomAD v4.1: 2 of 1,614,072 alleles (0.00012%); highest among the groups gnomAD compares: Middle Eastern, 0.016%; no homozygotes.

Submission:

Labcorp Genetics (formerly Invitae), Labcorp
Classification: Uncertain significance. Last evaluated: 2023-08-24. Review status: criteria provided, single submitter. Criteria: Invitae Variant Classification Sherloc (09022015). Collection method: clinical testing. Allele origin: germline.
Comment: In summary, the available evidence is currently insufficient to determine the role of this variant in disease. Therefore, it has been classified as a Variant of Uncertain Significance. Advanced modeling of protein sequence and biophysical properties (such as structural, functional, and spatial information, amino acid conservation, physicochemical variation, residue mobility, and thermodynamic stability) performed at Invitae indicates that this missense variant is expected to disrupt ERMARD protein function. ClinVar contains an entry for this variant (Variation ID: 1981129). This variant has not been reported in the literature in individuals affected with ERMARD-related conditions. This variant is not present in population databases (gnomAD no frequency). This sequence change replaces cysteine, which is neutral and slightly polar, with tryptophan, which is neutral and slightly polar, at codon 475 of the ERMARD protein (p.Cys475Trp).

NM_018341.3(ERMARD):c.1425C>G (p.Cys475Trp)

Gene: ERMARD (ER membrane associated RNA degradation; plus strand). Cytogenetic location: 6q27.
Variant type: single nucleotide variant.
Coding change: c.1425C>G on transcript NM_018341.3 (MANE Select); coding-DNA position 1425, C replaced by G.
Protein change: p.Cys475Trp; replaces cysteine 475 with tryptophan.
Molecular consequence: missense variant.
Genome position (GRCh38, 1-based): chr6:169,775,970, C>G. VCF-style: chr6-169775970-C-G. GRCh37 (hg19) VCF-style: chr6-170176066-C-G.
Other names: c.1425C>G, p.Cys475Trp (NM_001278531.2, NM_001278533.2); c.1047C>G, p.Cys349Trp (NM_001278532.2); c.1017C>G, p.Cys339Trp (NM_001410957.1); short protein forms C339W, C349W, C475W.
Identifiers: ClinVar variation 1981129 (VCV001981129.4), dbSNP rs1793540841, ClinGen allele CA366503469.